The following is an entry in ClinVar:

ClinVar aggregate classification (germline): Pathogenic/Likely pathogenic. Review status: criteria provided, multiple submitters, no conflicts (2 of 4 stars). 5 submissions from 5 submitters: Pathogenic (4); Likely pathogenic (1). Last evaluated 2025-08-22.

Conditions:
CASR-related disorder. Also called: CASR-related condition.
Familial hypocalciuric hypercalcemia 1. Also called: Hypercalcemia, familial benign type 1. Identifiers: Orphanet 405, Orphanet 93372, MedGen C0342637, MONDO:0007791, OMIM 145980.
Neonatal severe primary hyperparathyroidism. Identifiers: Orphanet 417, MedGen C1832615, MONDO:0009397, OMIM 239200.
Epilepsy, idiopathic generalized, susceptibility to, 8. Identifiers: MedGen C2752062, MONDO:0013032, OMIM 612899.
Autosomal dominant hypocalcemia 1 (HYPOC1). Also called: HYPOCALCEMIA, FAMILIAL. Identifiers: MedGen C3715128, MONDO:0011013, OMIM 601198.
Familial hypocalciuric hypercalcemia (FHH). Also called: Familial benign hypercalcemia. Identifiers: Orphanet 405, MedGen C1809471, MONDO:0018458.

Submissions (5):

Labcorp Genetics (formerly Invitae), Labcorp
Classification: Pathogenic for Familial hypocalciuric hypercalcemia; Autosomal dominant hypocalcemia 1. Last evaluated: 2025-08-22. Review status: criteria provided, single submitter. Criteria: Invitae Variant Classification Sherloc (09022015). Collection method: clinical testing. Allele origin: germline.
Comment: This sequence change replaces tyrosine, which is neutral and polar, with cysteine, which is neutral and slightly polar, at codon 218 of the CASR protein (p.Tyr218Cys). This variant is not present in population databases (gnomAD no frequency). This missense change has been observed in individuals with familial hypocalciuric hypercalcemia (FHH) (PMID: 12580936, 25104082, 26963950, 32347971; internal data). It has also been observed to segregate with disease in related individuals. Invitae Evidence Modeling of clinical and family history, age, sex, and reported ancestry of multiple individuals with this CASR variant has been performed. This variant is expected to be pathogenic with a positive predictive value of at least 99%. This is a validated machine learning model that incorporates the clinical features of 646,172 individuals referred to our laboratory for CASR testing. ClinVar contains an entry for this variant (Variation ID: 959855). An algorithm developed to predict the effect of missense changes on protein structure and function (PolyPhen-2) suggests that this variant is likely to be disruptive. Experimental studies have shown that this missense change affects CASR function (PMID: 12580936, 19759318). For these reasons, this variant has been classified as Pathogenic.

Women's Health and Genetics/Laboratory Corporation of America, LabCorp
Classification: Pathogenic for Familial hypocalciuric hypercalcemia. Last evaluated: 2023-12-20. Review status: criteria provided, single submitter. Criteria: LabCorp Variant Classification Summary - May 2015. Collection method: clinical testing. Allele origin: germline.
Comment: Variant summary: CASR c.653A>G (p.Tyr218Cys) results in a non-conservative amino acid change located in the receptor, ligand binding region (IPR001828) of the encoded protein sequence. Five of five in-silico tools predict a damaging effect of the variant on protein function. The variant was absent in 250844 control chromosomes (gnomAD). c.653A>G has been reported in the literature in multiple individuals affected with Familial Hypocalciuric Hypercalcemia and has been found to segregate in affected members of at least one family (e.g. Cetani_2003, Stratta_2014, Mouly_2020). These data indicate that the variant is very likely to be associated with disease. At least one publication reports experimental evidence evaluating an impact on protein function in vitro (e.g. Cetani_2003). The most pronounced variant effect results in 10%-<30% activity compared to the WT protein. The following publications have been ascertained in the context of this evaluation (PMID: 12580936, 32347971, 25104082). Two submitters have cited clinical-significance assessments for this variant to ClinVar after 2014. Both submitters classified the variant as likely pathogenic. Based on the evidence outlined above, the variant was classified as pathogenic.

Athena Diagnostics
Classification: Pathogenic. Last evaluated: 2023-07-26. Review status: criteria provided, single submitter. Criteria: Athena Diagnostics Criteria. Collection method: clinical testing. Allele origin: unknown.
Comment: This variant has been identified in multiple unrelated individuals with clinical features of familial hypocalciuric hypercalcemia and segregates with disease in at least one family. This variant has not been reported in large, multi-ethnic general populations. Assessment of experimental evidence suggests this variant results in abnormal protein function. (PMID: 19759318)

Fulgent Genetics
Classification: Likely pathogenic for Familial hypocalciuric hypercalcemia 1; Neonatal severe primary hyperparathyroidism; Autosomal dominant hypocalcemia 1; Epilepsy, idiopathic generalized, susceptibility to, 8. Last evaluated: 2022-02-04. Review status: criteria provided, single submitter. Criteria: ACMG Guidelines, 2015. Collection method: clinical testing. Allele origin: unknown.

Blueprint Genetics
Classification: Pathogenic for CASR-related disorders. Last evaluated: 2021-07-15. Review status: criteria provided, single submitter. Criteria: ACMG Guidelines, 2015. Collection method: clinical testing. Allele origin: germline. Affected: yes. Observed: 1 variant allele.

Literature cited by the submitters: PubMed 12580936 (cited by 3 submitters); PubMed 25104082 (cited by 3 submitters); PubMed 26963950 (cited by Labcorp Genetics (formerly Invitae), Labcorp and Athena Diagnostics); PubMed 32347971 (cited by 3 submitters); PubMed 19759318 (cited by Labcorp Genetics (formerly Invitae), Labcorp and Athena Diagnostics); PubMed 16147994 (cited by Athena Diagnostics); PubMed 21310873 (cited by Athena Diagnostics); PubMed 16491288 (cited by Athena Diagnostics).

NM_000388.4(CASR):c.653A>G (p.Tyr218Cys)

Gene: CASR (calcium sensing receptor; plus strand). Cytogenetic location: 3q21.1.
Variant type: single nucleotide variant.
Coding change: c.653A>G on transcript NM_000388.4 (MANE Select); coding-DNA position 653, A replaced by G.
Protein change: p.Tyr218Cys; replaces tyrosine 218 with cysteine.
Molecular consequence: missense variant.
Genome position (GRCh38, 1-based): chr3:122,261,688, A>G. VCF-style: chr3-122261688-A-G. GRCh37 (hg19) VCF-style: chr3-121980535-A-G.
Other names: c.653A>G, p.Tyr218Cys (NM_001178065.2); short protein forms Y218C.
Identifiers: ClinVar variation 959855 (VCV000959855.12), dbSNP rs2074624616, ClinGen allele CA354151055.
Genomic context (GRCh38, chr3:122,261,688, plus strand): 5'-CAGACATCATCGAGTATTTCCGCTGGAACTGGGTGGGCACAATTGCAGCTGATGACGACT[A>G]TGGGCGGCCGGGGATTGAGAAATTCCGAGAGGAAGCTGAGGAAAGGGATATCTGCATCGA-3'
Protein context (NP_000379.3, residues 208-228): WVGTIAADDD[Tyr218Cys]GRPGIEKFRE